The following is an entry in ClinVar:

NM_199355.4(ADAMTS18):c.3334C>T (p.Arg1112Ter)

Gene: ADAMTS18 (ADAM metallopeptidase with thrombospondin type 1 motif 18; minus strand). Cytogenetic location: 16q23.1.
Variant type: single nucleotide variant.
Coding change: c.3334C>T on transcript NM_199355.4 (MANE Select); coding-DNA position 3334, C replaced by T.
Protein change: p.Arg1112Ter; replaces arginine 1112 with a stop codon.
Molecular consequence: nonsense.
Genome position (GRCh38, 1-based): chr16:77,291,334, G>A on the plus strand (C>T on the coding strand, the complement: ADAMTS18 is on the minus strand). VCF-style: chr16-77291334-G-A. GRCh37 (hg19) VCF-style: chr16-77325231-G-A.
Other names: c.2818C>T, p.Arg940Ter (NM_001326358.2); short protein forms R1112*, R940*.
Identifiers: ClinVar variation 1068894 (VCV001068894.8), dbSNP rs776870884, ClinGen allele CA8180495.
Genomic context (GRCh38, chr16:77,291,334, plus strand): 5'-ACGGCAATGAATACCATCCAGCTACCATGTTGTACACTGGATGGGCTGGGCAAGCCCGTC[G>A]GTTGCAGGTCTCTTCCAAGTCCAGATTTGGTTTCTTAATATTACGGCATCTTCGCTCTGG-3'

ClinVar aggregate classification (germline): Pathogenic. Review status: criteria provided, single submitter (1 of 4 stars). 2 submissions from 2 submitters: Pathogenic (1). 1 of the submissions does not count toward it. Last evaluated 2025-04-18.

Conditions:
Microcornea-myopic chorioretinal atrophy. Also called: Microcornea, myopic chorioretinal atrophy, and telecanthus. Identifiers: Orphanet 369970, MedGen C3809567, MONDO:0014195, OMIM 615458.

Allele frequency attached by ClinVar (database versions not stated): ExAC 0.00001; gnomAD 0.00001; gnomAD exomes 0.00001 and 0.00003; TOPMed 0.00005.
gnomAD v4.1: 49 of 1,614,028 alleles (0.003%); highest among the groups gnomAD compares: Non-Finnish European, 0.0038%; no homozygotes.

Submissions (2):

Labcorp Genetics (formerly Invitae), Labcorp
Classification: Pathogenic. Last evaluated: 2025-04-18. Review status: criteria provided, single submitter. Criteria: Invitae Variant Classification Sherloc (09022015). Collection method: clinical testing. Allele origin: germline.
Comment: This sequence change creates a premature translational stop signal (p.Arg1112*) in the ADAMTS18 gene. It is expected to result in an absent or disrupted protein product. Loss-of-function variants in ADAMTS18 are known to be pathogenic (PMID: 23818446, 24874986). This variant is present in population databases (rs776870884, gnomAD 0.007%). This variant has not been reported in the literature in individuals affected with ADAMTS18-related conditions. ClinVar contains an entry for this variant (Variation ID: 1068894). Algorithms developed to predict the effect of sequence changes on RNA splicing suggest that this variant may disrupt the consensus splice site. For these reasons, this variant has been classified as Pathogenic.

Payam Genetics Center, General Welfare Department of North Khorasan Province
Classification: Pathogenic for Microcornea-myopic chorioretinal atrophy. Last evaluated: 2023-03-01. Review status: no assertion criteria provided. Collection method: clinical testing. Allele origin: germline. Affected: no. Observed: 1 variant allele. Not counted in ClinVar's aggregate classification.
Comment: The ADAMTS18 c.3334C>T (p.R1112X) is a nonsens mutation and results at the protein level is a disfunctional or truncated protein, predicted lead to disease. This variant is not present in Iranian population databases.

(p.R1112X)

Literature cited by the submitters: PubMed 23818446 (cited by Labcorp Genetics (formerly Invitae), Labcorp); PubMed 24874986 (cited by Labcorp Genetics (formerly Invitae), Labcorp).